The following is an entry in ClinVar:

NM_000137.4(FAH):c.697G>A (p.Asp233Asn)

Gene: FAH (fumarylacetoacetate hydrolase; plus strand). Cytogenetic location: 15q25.1.
Variant type: single nucleotide variant.
Coding change: c.697G>A on transcript NM_000137.4 (MANE Select); coding-DNA position 697, G replaced by A.
Protein change: p.Asp233Asn; replaces aspartic acid 233 with asparagine.
Molecular consequence: missense variant.
Genome position (GRCh38, 1-based): chr15:80,172,239, G>A. VCF-style: chr15-80172239-G-A. GRCh37 (hg19) VCF-style: chr15-80464581-G-A.
Other names: c.697G>A, p.Asp233Asn (NM_001374377.1, NM_001374380.1); c.697G>A (NM_000137.2); short protein forms D233N.
Identifiers: ClinVar variation 1478103 (VCV001478103.10), dbSNP rs144902834, ClinGen allele CA7691304.

ClinVar aggregate classification (germline): Conflicting classifications of pathogenicity. Review status: criteria provided, conflicting classifications (1 of 4 stars). 3 submissions from 3 submitters: Pathogenic (1); Likely pathogenic (1); Uncertain significance (1). Last evaluated 2024-06-05.

Conditions:
Tyrosinemia type I (TYRSN1). Also called: Tyrosinemia type 1; Fumarylacetoacetase deficiency; Deficiency of fumarylacetoacetase; FAH DEFICIENCY; HEPATORENAL TYROSINEMIA. Identifiers: Orphanet 882, MedGen C0268490, MONDO:0010161, OMIM 276700. Disease mechanism: loss of function.
FAH-related disorder. Also called: FAH-related condition.

Allele frequency attached by ClinVar (database versions not stated): gnomAD 0.00001; TOPMed 0.00002; ESP Exome Variant Server 0.00008.
gnomAD v4.1: 7 of 1,609,690 alleles (0.00043%); highest among the groups gnomAD compares: African/African-American, 0.0013%; no homozygotes.

Submissions (3):

Labcorp Genetics (formerly Invitae), Labcorp
Classification: Pathogenic for Tyrosinemia type I. Last evaluated: 2024-06-05. Review status: criteria provided, single submitter. Criteria: Invitae Variant Classification Sherloc (09022015). Collection method: clinical testing. Allele origin: germline.
Comment: This sequence change replaces aspartic acid, which is acidic and polar, with asparagine, which is neutral and polar, at codon 233 of the FAH protein (p.Asp233Asn). This variant is not present in population databases (gnomAD no frequency). This missense change has been observed in individual(s) with clinical features of tyrosinemia type I (Invitae). ClinVar contains an entry for this variant (Variation ID: 1478103). Advanced modeling of protein sequence and biophysical properties (such as structural, functional, and spatial information, amino acid conservation, physicochemical variation, residue mobility, and thermodynamic stability) performed at Invitae indicates that this missense variant is expected to disrupt FAH protein function with a positive predictive value of 80%. This variant disrupts the p.Asp233 amino acid residue in FAH. Other variant(s) that disrupt this residue have been determined to be pathogenic (PMID: 7942842, 11278491, 31300554). This suggests that this residue is clinically significant, and that variants that disrupt this residue are likely to be disease-causing. For these reasons, this variant has been classified as Pathogenic.

3billion
Classification: Likely pathogenic for Tyrosinemia type I. Last evaluated: 2024-03-11. Review status: criteria provided, single submitter. Criteria: ACMG Guidelines, 2015. Collection method: clinical testing. Allele origin: germline. Affected: yes.
Comment: The variant is not observed in the gnomAD v2.1.1 dataset. Predicted Consequence/Location: Missense variant In silico tool predictions suggest damaging effect of the variant on gene or gene product [REVEL: 0.96 (>=0.6, sensitivity 0.68 and specificity 0.92); 3Cnet: 0.88 (>=0.6, sensitivity 0.72 and precision 0.9)]. Same nucleotide change resulting in same amino acid change has been previously reported to be associated with FAH related disorder (ClinVar ID: VCV001478103).A different missense change at the same codon (p.Asp233Val) has been reported as pathogenic/likely pathogenic with strong evidence (ClinVar ID: VCV000021057 /PMID: 7942842). Therefore, this variant is classified as Likely pathogenic according to the recommendation of ACMG/AMP guideline.

PreventionGenetics, part of Exact Sciences
Classification: Uncertain significance for FAH-related condition. Last evaluated: 2023-03-07. Review status: criteria provided, single submitter. Criteria: ACMG Guidelines, 2015. Collection method: clinical testing. Allele origin: germline.
Comment: The FAH c.697G>A variant is predicted to result in the amino acid substitution p.Asp233Asn. To our knowledge, this variant has not been reported in the literature. A different substitution impacting the same amino acid (p.Asp233Val) has been reported in the homozygous state in patients with hereditary tyrosinemia type I (Rootwelt et al. 1994. PubMed ID: 7942842). In functional studies, the p.Asp233Val substitution abolished activity of the fumarylacetoacetate hydrolase enzyme, and the p.Asp233 amino acid was noted to be located in the enzyme active site (Bergeron et al. 2001. PubMed ID: 11278491; Macias et al. 2019. PubMed ID: 31300554). The c.697G>A (pAsp233Asn) variant observed in this patient has not been reported in a large population database, indicating this variant is rare. Although we suspect this variant could be pathogenic, at this time its clinical significance is uncertain due to the absence of conclusive functional and genetic evidence.

Literature cited by the submitters: PubMed 7942842 (cited by Labcorp Genetics (formerly Invitae), Labcorp and 3billion); PubMed 11278491 (cited by Labcorp Genetics (formerly Invitae), Labcorp); PubMed 31300554 (cited by Labcorp Genetics (formerly Invitae), Labcorp).